The following is an entry in ClinVar:

NM_014249.4(NR2E3):c.402C>A (p.Ser134Arg)

Gene: NR2E3 (nuclear receptor subfamily 2 group E member 3; plus strand). Cytogenetic location: 15q23.
Variant type: single nucleotide variant.
Coding change: c.402C>A on transcript NM_014249.4 (MANE Select); coding-DNA position 402, C replaced by A.
Protein change: p.Ser134Arg; replaces serine 134 with arginine.
Molecular consequence: missense variant.
Genome position (GRCh38, 1-based): chr15:71,812,007, C>A. VCF-style: chr15-71812007-C-A. GRCh37 (hg19) VCF-style: chr15-72104347-C-A.
Other names: c.402C>A, p.Ser134Arg (NM_016346.4); short protein forms S134R.
Identifiers: ClinVar variation 317012 (VCV000317012.7), dbSNP rs886051452, ClinGen allele CA10642519.
Genomic context (GRCh38, chr15:71,812,007, plus strand): 5'-CTCCCCAGCCGTGCAGAACGAGCGCCAGCCGCGAAGCACAGCCCAGGTCCACCTGGACAG[C>A]ATGGAGTCCAACACTGAGTCCCGGCCGGAGTCCCTGGTGGCTCCCCCGGCCCCGGCAGGG-3'
Protein context (NP_055064.1, residues 124-144): PRSTAQVHLD[Ser134Arg]MESNTESRPE

ClinVar aggregate classification (germline): Uncertain significance. Review status: criteria provided, multiple submitters, no conflicts (2 of 4 stars). 3 submissions from 2 submitters: Uncertain significance (3). Last evaluated 2022-09-26.

Conditions:
Retinitis pigmentosa (RP). Identifiers: Orphanet 791, MedGen C0035334, MeSH D012174, MONDO:0019200, OMIM 268000. Inheritance: Autosomal dominant, autosomal recessive and X linked inheritance.
Enhanced S-cone syndrome (ESCS). Identifiers: Orphanet 53540, MedGen C1849394, MONDO:0100288, MONDO:0009989.

Allele frequency attached by ClinVar (database versions not stated): TOPMed below 0.00001.
gnomAD v4.1: 6 of 1,555,190 alleles (0.00039%); highest among the groups gnomAD compares: African/African-American, 0.0014%; no homozygotes.

Submissions (3):

Labcorp Genetics (formerly Invitae), Labcorp
Classification: Uncertain significance. Last evaluated: 2022-09-26. Review status: criteria provided, single submitter. Criteria: Invitae Variant Classification Sherloc (09022015). Collection method: clinical testing. Allele origin: germline.
Comment: This sequence change replaces serine, which is neutral and polar, with arginine, which is basic and polar, at codon 134 of the NR2E3 protein (p.Ser134Arg). This variant is not present in population databases (gnomAD no frequency). This variant has not been reported in the literature in individuals affected with NR2E3-related conditions. ClinVar contains an entry for this variant (Variation ID: 317012). Experimental studies and prediction algorithms are not available or were not evaluated, and the functional significance of this variant is currently unknown. In summary, the available evidence is currently insufficient to determine the role of this variant in disease. Therefore, it has been classified as a Variant of Uncertain Significance.

Illumina Laboratory Services, Illumina
Classification: Uncertain significance for ENHANCED S-CONE SYNDROME 1. Last evaluated: 2018-01-13. Review status: criteria provided, single submitter. Criteria: ICSL Variant Classification Criteria 13 December 2019. Collection method: clinical testing. Allele origin: germline.

Illumina Laboratory Services, Illumina
Classification: Uncertain significance for Retinitis pigmentosa. Last evaluated: 2018-01-13. Review status: criteria provided, single submitter. Criteria: ICSL Variant Classification Criteria 13 December 2019. Collection method: clinical testing. Allele origin: germline.